The following is an entry in ClinVar:

ClinVar aggregate classification (germline): Likely pathogenic (1 of 4 stars; one submission).

Allele frequency attached by ClinVar (database versions not stated): gnomAD exomes below 0.00001; ExAC 0.00001; TOPMed 0.00001.
gnomAD v4.1: 3 of 1,550,236 alleles (0.00019%); highest among the groups gnomAD compares: Admixed American, 0.0017%; no homozygotes.

Submission:

Labcorp Genetics (formerly Invitae), Labcorp
Classification: Likely pathogenic. Last evaluated: 2024-01-28. Review status: criteria provided, single submitter. Criteria: Invitae Variant Classification Sherloc (09022015). Collection method: clinical testing. Allele origin: germline.
Comment: This sequence change affects an acceptor splice site in intron 9 of the ABCA12 gene. It is expected to disrupt RNA splicing. Variants that disrupt the donor or acceptor splice site typically lead to a loss of protein function (PMID: 16199547), and loss-of-function variants in ABCA12 are known to be pathogenic (PMID: 20672373). This variant is present in population databases (rs762426127, gnomAD 0.003%). This variant has not been reported in the literature in individuals affected with ABCA12-related conditions. Algorithms developed to predict the effect of sequence changes on RNA splicing suggest that this variant may disrupt the consensus splice site. In summary, the currently available evidence indicates that the variant is pathogenic, but additional data are needed to prove that conclusively. Therefore, this variant has been classified as Likely Pathogenic.

Literature cited by the submitters: PubMed 16199547; PubMed 20672373.

NM_173076.3(ABCA12):c.1062-2A>G

Gene: ABCA12 (ATP binding cassette subfamily A member 12; minus strand). Cytogenetic location: 2q35.
Variant type: single nucleotide variant.
Coding change: c.1062-2A>G on transcript NM_173076.3 (MANE Select); the canonical splice acceptor site of the intron before coding-DNA position 1062, A replaced by G.
Molecular consequence: splice acceptor variant.
Genome position (GRCh38, 1-based): chr2:215,026,940, T>C on the plus strand (A>G on the coding strand, the complement: ABCA12 is on the minus strand). VCF-style: chr2-215026940-T-C. GRCh37 (hg19) VCF-style: chr2-215891664-T-C.
Other names: c.108-2A>G (NM_015657.4).
Identifiers: ClinVar variation 2829994 (VCV002829994.3), dbSNP rs762426127, ClinGen allele CA2092342.